The following is an entry in ClinVar:

NM_014491.4(FOXP2):c.1607G>T (p.Arg536Leu)

Gene: FOXP2 (forkhead box P2; plus strand). Cytogenetic location: 7q31.1.
Variant type: single nucleotide variant.
Coding change: c.1607G>T on transcript NM_014491.4 (MANE Select); coding-DNA position 1607, G replaced by T.
Protein change: p.Arg536Leu; replaces arginine 536 with leucine.
Molecular consequence: missense variant. On other transcripts: non-coding transcript variant (2).
Genome position (GRCh38, 1-based): chr7:114,659,633, G>T. VCF-style: chr7-114659633-G-T. GRCh37 (hg19) VCF-style: chr7-114299688-G-T.
Other names: c.1604G>T, p.Arg535Leu (NM_001172766.3); c.1682G>T, p.Arg561Leu (NM_148898.4); c.1658G>T, p.Arg553Leu (NM_148900.4); short protein forms R561L, R535L, R553L, R536L.
Identifiers: ClinVar variation 3781190 (VCV003781190.1).

ClinVar aggregate classification (germline): Uncertain significance (1 of 4 stars; one submission).

Submission:

GeneDx
Classification: Uncertain significance. Last evaluated: 2024-10-15. Review status: criteria provided, single submitter. Criteria: GeneDx Variant Classification Process June 2021. Collection method: clinical testing. Allele origin: germline. Affected: yes.
Comment: Not observed at significant frequency in large population cohorts (gnomAD); In silico analysis supports that this missense variant has a deleterious effect on protein structure/function; Has not been previously published as pathogenic or benign to our knowledge